The following is an entry in ClinVar:

NM_004426.3(PHC1):c.1800G>T (p.Gly600=)

Gene: PHC1 (polyhomeotic homolog 1; plus strand). Cytogenetic location: 12p13.31.
Variant type: single nucleotide variant.
Coding change: c.1800G>T on transcript NM_004426.3 (MANE Select); coding-DNA position 1800, G replaced by T.
Protein change: p.Gly600=; no amino-acid change (glycine 600 retained).
Molecular consequence: synonymous variant. On other transcripts: non-coding transcript variant (1), intron variant (8).
Genome position (GRCh38, 1-based): chr12:8,933,257, G>T. VCF-style: chr12-8933257-G-T. GRCh37 (hg19) VCF-style: chr12-9085853-G-T.
Other names: c.1800G>T, p.Gly600= (NM_001413738.1); c.1794G>T, p.Gly598= (NM_001413739.1); c.1776G>T, p.Gly592= (NM_001413740.1); c.1689G>T, p.Gly563= (NM_001413741.1); c.1644G>T, p.Gly548= (NM_001413742.1, NM_001413743.1); c.1425G>T, p.Gly475= (NM_001413744.1); c.1377G>T, p.Gly459= (NM_001413745.1); c.1359G>T, p.Gly453= (NM_001413746.1); and 6 more.
Identifiers: ClinVar variation 4981839 (VCV004981839.1).

ClinVar aggregate classification (germline): Likely benign (1 of 4 stars; one submission).

Conditions:
PHC1-related disorder. Also called: PHC1-related condition.

gnomAD v4.1: 63 of 1,487,372 alleles (0.0042%); highest among the groups gnomAD compares: Non-Finnish European, 0.0051%; no homozygotes.

Submission:

PreventionGenetics, part of Exact Sciences
Classification: Likely benign for PHC1-related condition. Last evaluated: 2025-05-15. Review status: criteria provided, single submitter. Criteria: ACMG Guidelines, 2015. Collection method: clinical testing. Allele origin: germline.
Comment: This variant is classified as likely benign based on ACMG/AMP sequence variant interpretation guidelines (Richards et al. 2015 PMID: 25741868, with internal and published modifications).